The following is an entry in ClinVar:

NM_005188.4(CBL):c.1057T>C (p.Cys353Arg)

Gene: CBL (Cbl proto-oncogene; plus strand). Cytogenetic location: 11q23.3.
Variant type: single nucleotide variant.
Coding change: c.1057T>C on transcript NM_005188.4 (MANE Select); coding-DNA position 1057, T replaced by C.
Protein change: p.Cys353Arg; replaces cysteine 353 with arginine.
Molecular consequence: missense variant.
Genome position (GRCh38, 1-based): chr11:119,277,806, T>C. VCF-style: chr11-119277806-T-C. GRCh37 (hg19) VCF-style: chr11-119148516-T-C.
Other names: short protein forms C353R.
Identifiers: ClinVar variation 4843615 (VCV004843615.1).
Genomic context (GRCh38, chr11:119,277,806, plus strand): 5'-ACTCTTTACAGCTATTTGTTTCCTGATGGACGAAATCAGAATCCTGATCTGACTGGCTTA[T>C]GTGAACCAACTCCCCAAGACCATATCAAAGTGACCCAGGTGAGTTTTGTTTCACATGATA-3'
Protein context (NP_005179.2, residues 343-363): RNQNPDLTGL[Cys353Arg]EPTPQDHIKV

ClinVar aggregate classification (germline): Uncertain significance (1 of 4 stars; one submission).

Conditions:
Cardiovascular phenotype. Identifiers: MedGen CN230736.

Submission:

Ambry Genetics
Classification: Uncertain significance for Cardiovascular phenotype. Last evaluated: 2025-12-21. Review status: criteria provided, single submitter. Criteria: Ambry Variant Classification Scheme 2023. Collection method: clinical testing. Allele origin: germline.
Comment: The p.C353R variant (also known as c.1057T>C), located in coding exon 7 of the CBL gene, results from a T to C substitution at nucleotide position 1057. The cysteine at codon 353 is replaced by arginine, an amino acid with highly dissimilar properties. This amino acid position is conserved. In addition, this alteration is predicted to be deleterious by in silico analysis. Based on the available evidence, the clinical significance of this variant remains unclear.